The following is an entry in ClinVar:

ClinVar aggregate classification (germline): Benign/Likely benign. Review status: criteria provided, multiple submitters, no conflicts (2 of 4 stars). 4 submissions from 4 submitters: Benign (1); Likely benign (3). Last evaluated 2025-12-01.

Conditions:
Hereditary cancer-predisposing syndrome. Also called: Neoplastic Syndromes, Hereditary; Tumor predisposition; Hereditary neoplastic syndrome; Hereditary Cancer Syndrome. Identifiers: Orphanet 140162, MedGen C0027672, MeSH D009386, MONDO:0015356.
Hereditary diffuse gastric adenocarcinoma (HDGC). Also called: DIFFUSE GASTRIC AND LOBULAR BREAST CANCER SYNDROME. Identifiers: Orphanet 26106, MedGen C1708349, MONDO:0007648, OMIM 137215.

Allele frequency attached by ClinVar (database versions not stated): TOPMed below 0.00001.

Submissions (4):

Labcorp Genetics (formerly Invitae), Labcorp
Classification: Likely benign. Last evaluated: 2025-12-01. Review status: criteria provided, single submitter. Criteria: Invitae Variant Classification Sherloc (09022015). Collection method: clinical testing. Allele origin: germline.

CeGaT Center for Human Genetics Tuebingen
Classification: Likely benign. Last evaluated: 2025-04-01. Review status: criteria provided, single submitter. Criteria: CeGaT Center For Human Genetics Tuebingen Variant Classification Criteria Version 2. Collection method: clinical testing. Allele origin: germline. Affected: yes. Observed: 1 variant allele.
Comment: CTNNA1: PM2:Supporting, BP4, BP7

Myriad Genetics, Inc.
Classification: Benign for Hereditary diffuse gastric adenocarcinoma. Last evaluated: 2024-10-15. Review status: criteria provided, single submitter. Criteria: Myriad Autosomal Dominant, Autosomal Recessive and X-Linked Classification Criteria (2023). Collection method: clinical testing. Allele origin: unknown.
Comment: This variant is considered benign. This variant is a silent/synonymous amino acid change and it is not expected to impact splicing.

Ambry Genetics
Classification: Likely benign for Hereditary cancer-predisposing syndrome. Last evaluated: 2022-09-08. Review status: criteria provided, single submitter. Criteria: Ambry Variant Classification Scheme 2023. Collection method: clinical testing. Allele origin: germline.

NM_001903.5(CTNNA1):c.2622A>G (p.Lys874=)

Gene: CTNNA1 (catenin alpha 1; plus strand). Cytogenetic location: 5q31.2.
Variant type: single nucleotide variant.
Coding change: c.2622A>G on transcript NM_001903.5 (MANE Select); coding-DNA position 2622, A replaced by G.
Protein change: p.Lys874=; no amino-acid change (lysine 874 retained).
Molecular consequence: synonymous variant. On other transcripts: 3 prime UTR variant (5).
Genome position (GRCh38, 1-based): chr5:138,933,990, A>G. VCF-style: chr5-138933990-A-G. GRCh37 (hg19) VCF-style: chr5-138269679-A-G.
Other names: c.*167A>G (NM_001290307.3, NM_001324002.1, NM_001324003.1 and 2 more transcripts); c.2313A>G, p.Lys771= (NM_001290309.3); c.2253A>G, p.Lys751= (NM_001290310.3); c.1512A>G, p.Lys504= (NM_001290312.1, NM_001323987.1, NM_001323988.1 and 12 more transcripts); c.2622A>G, p.Lys874= (NM_001323982.2, NM_001323983.1, NM_001323984.2); c.2595A>G, p.Lys865= (NM_001323985.2); c.2529A>G, p.Lys843= (NM_001323986.2); c.1377A>G, p.Lys459= (NM_001324001.1); and 3 more.
Identifiers: ClinVar variation 1115150 (VCV001115150.19), dbSNP rs1436564545, ClinGen allele CA446793468.